The following is an entry in ClinVar:

ClinVar aggregate classification (germline): Benign/Likely benign. Review status: criteria provided, multiple submitters, no conflicts (2 of 4 stars). 3 submissions from 3 submitters: Benign (1); Likely benign (1). 1 of the submissions does not count toward it. Last evaluated 2025-10-21.

Conditions:
DNAH1-related disorder. Also called: DNAH1-related condition.
Spermatogenic failure 18. Identifiers: MedGen C4539783, MONDO:0054615, OMIM 617576.
Ciliary dyskinesia, primary, 37 (CILD37). Also called: CILIARY DYSKINESIA, PRIMARY, 37, WITH OR WITHOUT SITUS INVERSUS. Identifiers: MedGen C4539798, MONDO:0033204, OMIM 617577.

Allele frequency attached by ClinVar (database versions not stated): gnomAD 0.00001 and 0.00015; TOPMed 0.00003; gnomAD exomes 0.00026 and 0.00053; ExAC 0.00101; 1000 Genomes Project 30x 0.00141; 1000 Genomes Project 0.00160.
gnomAD v4.1: 395 of 1,609,378 alleles (0.025%); highest among the groups gnomAD compares: South Asian, 0.39%; 4 homozygotes.

Submissions (3):

Labcorp Genetics (formerly Invitae), Labcorp
Classification: Benign for Ciliary dyskinesia, primary, 37; Spermatogenic failure 18. Last evaluated: 2025-10-21. Review status: criteria provided, single submitter. Criteria: Invitae Variant Classification Sherloc (09022015). Collection method: clinical testing. Allele origin: germline.

Blueprint Genetics
Classification: Likely benign. Last evaluated: 2024-07-19. Review status: criteria provided, single submitter. Criteria: ACMG Guidelines, 2015. Collection method: clinical testing. Allele origin: germline.

PreventionGenetics, part of Exact Sciences
Classification: Likely benign for DNAH1-related condition. Last evaluated: 2019-05-13. Review status: no assertion criteria provided. Collection method: clinical testing. Allele origin: germline. Not counted in ClinVar's aggregate classification.
Comment: This variant is classified as likely benign based on ACMG/AMP sequence variant interpretation guidelines (Richards et al. 2015 PMID: 25741868, with internal and published modifications).

NM_015512.5(DNAH1):c.1572C>T (p.Thr524=)

Gene: DNAH1 (dynein axonemal heavy chain 1; plus strand). Cytogenetic location: 3p21.1.
Variant type: single nucleotide variant.
Coding change: c.1572C>T on transcript NM_015512.5 (MANE Select); coding-DNA position 1572, C replaced by T.
Protein change: p.Thr524=; no amino-acid change (threonine 524 retained).
Molecular consequence: synonymous variant.
Genome position (GRCh38, 1-based): chr3:52,345,622, C>T. VCF-style: chr3-52345622-C-T. GRCh37 (hg19) VCF-style: chr3-52379638-C-T.
Identifiers: ClinVar variation 478415 (VCV000478415.14), dbSNP rs565874512, ClinGen allele CA2433001.